The following is an entry in ClinVar:

NM_003105.6(SORL1):c.4033G>A (p.Asp1345Asn)

Gene: SORL1 (sortilin related receptor 1; plus strand). Cytogenetic location: 11q24.1.
Variant type: single nucleotide variant.
Coding change: c.4033G>A on transcript NM_003105.6 (MANE Select); coding-DNA position 4033, G replaced by A.
Protein change: p.Asp1345Asn; replaces aspartic acid 1345 with asparagine.
Molecular consequence: missense variant.
Genome position (GRCh38, 1-based): chr11:121,589,345, G>A. VCF-style: chr11-121589345-G-A. GRCh37 (hg19) VCF-style: chr11-121460054-G-A.
Other names: short protein forms D1345N.
Identifiers: ClinVar variation 4707732 (VCV004707732.1).

ClinVar aggregate classification (germline): Uncertain significance (1 of 4 stars; one submission).

gnomAD v4.1: 9 of 1,613,740 alleles (0.00056%); highest among the groups gnomAD compares: African/African-American, 0.0027%; no homozygotes.

Submission:

Labcorp Genetics (formerly Invitae), Labcorp
Classification: Uncertain significance. Last evaluated: 2025-07-18. Review status: criteria provided, single submitter. Criteria: Invitae Variant Classification Sherloc (09022015). Collection method: clinical testing. Allele origin: germline.
Comment: This sequence change replaces aspartic acid, which is acidic and polar, with asparagine, which is neutral and polar, at codon 1345 of the SORL1 protein (p.Asp1345Asn). This variant is present in population databases (rs367734910, gnomAD 0.007%). This variant has not been reported in the literature in individuals affected with SORL1-related conditions. An algorithm developed to predict the effect of missense changes on protein structure and function (PolyPhen-2) suggests that this variant is likely to be disruptive. In summary, the available evidence is currently insufficient to determine the role of this variant in disease. Therefore, it has been classified as a Variant of Uncertain Significance.